The following is an entry in ClinVar:

NM_000329.3(RPE65):c.749del (p.Ile250fs)

Gene: RPE65 (retinoid isomerohydrolase RPE65; minus strand). Cytogenetic location: 1p31.3.
Variant type: Deletion.
Coding change: c.749del on transcript NM_000329.3 (MANE Select); coding-DNA position 749, one base deleted (T; older notation c.749delT).
Protein change: p.Ile250fs; shifts the reading frame from isoleucine 250.
Molecular consequence: frameshift variant.
Genome position (GRCh38, 1-based): chr1:68,439,300, A deleted on the plus strand (T on the coding strand, the reverse complement: RPE65 is on the minus strand). VCF-style (leftmost placement, unchanged base first): chr1-68439299-GA-G. GRCh37 (hg19) VCF-style: chr1-68904982-GA-G.
Other names: c.641del, p.Ile214fs (NM_001406853.1); c.473del, p.Ile158fs (NM_001406856.1, NM_001406857.1); c.749del, p.Ile250fs (NM_001406859.1); short protein forms I158fs, I214fs, I250fs.
Identifiers: ClinVar variation 3760359 (VCV003760359.2).

ClinVar aggregate classification (germline): Pathogenic (1 of 4 stars; one submission).

Conditions:
Retinitis pigmentosa 20 (RP20). Identifiers: Orphanet 791, MedGen C3151086, MONDO:0013425, OMIM 613794.
Leber congenital amaurosis 2 (LCA2). Also called: AMAUROSIS CONGENITA OF LEBER II; Autosomal Recessive RPE65-Related Retinal Degeneration. Identifiers: Orphanet 65, MedGen C1859844, MONDO:0008765, OMIM 204100. Disease mechanism: loss of function.

Submission:

Labcorp Genetics (formerly Invitae), Labcorp
Classification: Pathogenic for Leber congenital amaurosis 2; Retinitis pigmentosa 20. Last evaluated: 2025-01-19. Review status: criteria provided, single submitter. Criteria: Invitae Variant Classification Sherloc (09022015). Collection method: clinical testing. Allele origin: germline.
Comment: This sequence change creates a premature translational stop signal (p.Ile250Thrfs*75) in the RPE65 gene. It is expected to result in an absent or disrupted protein product. Loss-of-function variants in RPE65 are known to be pathogenic (PMID: 9326941, 9501220, 9843205, 18632300). This variant is not present in population databases (gnomAD no frequency). This variant has not been reported in the literature in individuals affected with RPE65-related conditions. For these reasons, this variant has been classified as Pathogenic.

Literature cited by the submitters: PubMed 9326941; PubMed 9501220; PubMed 9843205; PubMed 18632300.